The following is an entry in ClinVar:

ClinVar aggregate classification (germline): Conflicting classifications of pathogenicity. Review status: criteria provided, conflicting classifications (1 of 4 stars). 3 submissions from 3 submitters: Uncertain significance (2); Likely benign (1). Last evaluated 2025-09-08.

Conditions:
Dyskeratosis congenita, autosomal dominant 2. Identifiers: MedGen C3151443, MONDO:0013521, OMIM 613989.
Idiopathic Pulmonary Fibrosis. Also called: Idiopathic fibrosing alveolitis, chronic form; idiopathic fibrosing alveolitis. Identifiers: Orphanet 2032, MedGen C1800706, MeSH D054990, MONDO:0800504.
Dyskeratosis congenita. Identifiers: Orphanet 1775, MedGen C0265965, MONDO:0015780.

Allele frequency attached by ClinVar (database versions not stated): TOPMed below 0.00001; ExAC 0.00002; ESP Exome Variant Server 0.00008.

Submissions (3):

Labcorp Genetics (formerly Invitae), Labcorp
Classification: Uncertain significance for Dyskeratosis congenita, autosomal dominant 2; Idiopathic Pulmonary Fibrosis. Last evaluated: 2025-09-08. Review status: criteria provided, single submitter. Criteria: Invitae Variant Classification Sherloc (09022015). Collection method: clinical testing. Allele origin: germline.
Comment: This sequence change replaces arginine, which is basic and polar, with histidine, which is basic and polar, at codon 268 of the TERT protein (p.Arg268His). The frequency data for this variant in the population databases is considered unreliable, as metrics indicate poor data quality at this position in the gnomAD database. This variant has not been reported in the literature in individuals affected with TERT-related conditions. ClinVar contains an entry for this variant (Variation ID: 1061207). Invitae Evidence Modeling of protein sequence and biophysical properties (such as structural, functional, and spatial information, amino acid conservation, physicochemical variation, residue mobility, and thermodynamic stability) indicates that this missense variant is not expected to disrupt TERT protein function with a negative predictive value of 95%. In summary, the available evidence is currently insufficient to determine the role of this variant in disease. Therefore, it has been classified as a Variant of Uncertain Significance.

Ambry Genetics
Classification: Likely benign for Dyskeratosis congenita. Last evaluated: 2025-05-22. Review status: criteria provided, single submitter. Criteria: Ambry Variant Classification Scheme 2023. Collection method: clinical testing. Allele origin: germline.

Genetic Services Laboratory, University of Chicago
Classification: Uncertain significance. Last evaluated: 2021-11-30. Review status: criteria provided, single submitter. Criteria: ACMG Guidelines, 2015. Collection method: clinical testing. Allele origin: germline. Affected: no.

NM_198253.3(TERT):c.803G>A (p.Arg268His)

Gene: TERT (telomerase reverse transcriptase; minus strand). Cytogenetic location: 5p15.33.
Variant type: single nucleotide variant.
Coding change: c.803G>A on transcript NM_198253.3 (MANE Select); coding-DNA position 803, G replaced by A.
Protein change: p.Arg268His; replaces arginine 268 with histidine.
Molecular consequence: missense variant. On other transcripts: non-coding transcript variant (2).
Genome position (GRCh38, 1-based): chr5:1,294,083, C>T on the plus strand (G>A on the coding strand, the complement: TERT is on the minus strand). VCF-style: chr5-1294083-C-T. GRCh37 (hg19) VCF-style: chr5-1294198-C-T.
Other names: c.803G>A, p.Arg268His (NM_001193376.3); short protein forms R268H.
Identifiers: ClinVar variation 1061207 (VCV001061207.14), dbSNP rs374426285, ClinGen allele CA3184911.